The following is an entry in ClinVar:

NM_018076.5(ODAD2):c.2879G>A (p.Gly960Asp)

Gene: ODAD2 (outer dynein arm docking complex subunit 2; minus strand). Cytogenetic location: 10p12.1.
Variant type: single nucleotide variant.
Coding change: c.2879G>A on transcript NM_018076.5 (MANE Select); coding-DNA position 2879, G replaced by A.
Protein change: p.Gly960Asp; replaces glycine 960 with aspartic acid.
Molecular consequence: missense variant.
Genome position (GRCh38, 1-based): chr10:27,860,767, C>T on the plus strand (G>A on the coding strand, the complement: ODAD2 is on the minus strand). VCF-style: chr10-27860767-C-T. GRCh37 (hg19) VCF-style: chr10-28149696-C-T.
Other names: c.2879G>A, p.Gly960Asp (NM_001290020.2); c.1454G>A, p.Gly485Asp (NM_001290021.2); c.1955G>A, p.Gly652Asp (NM_001312689.2); c.2879G>A (NM_018076.4); short protein forms G960D, G485D, G652D.
Identifiers: ClinVar variation 412244 (VCV000412244.19), dbSNP rs139577934, ClinGen allele CA5453078.

ClinVar aggregate classification (germline): Uncertain significance. Review status: criteria provided, multiple submitters, no conflicts (2 of 4 stars). 3 submissions from 3 submitters: Uncertain significance (3). Last evaluated 2025-10-28.

Conditions:
ODAD2-related disorder. Also called: ODAD2-related condition.
Primary ciliary dyskinesia 23 (CILD23). Also called: CILIARY DYSKINESIA, PRIMARY, 23, WITH OR WITHOUT SITUS INVERSUS. Identifiers: Orphanet 244, MedGen C3809548, MONDO:0014193, OMIM 615451.
Primary ciliary dyskinesia. Also called: Ciliary dyskinesia. Identifiers: Orphanet 244, MedGen C0008780, MONDO:0016575, HP:0012265.

Allele frequency attached by ClinVar (database versions not stated): ExAC 0.00021; gnomAD 0.00026 and 0.00028; TOPMed 0.00029; ESP Exome Variant Server 0.00038.
gnomAD v4.1: 883 of 1,614,032 alleles (0.055%); highest among the groups gnomAD compares: Non-Finnish European, 0.068%; no homozygotes.

Submissions (3):

PreventionGenetics, part of Exact Sciences
Classification: Uncertain significance for ODAD2-related condition. Last evaluated: 2025-10-28. Review status: criteria provided, single submitter. Criteria: ACMG Guidelines, 2015. Collection method: clinical testing. Allele origin: germline.
Comment: The ODAD2 c.2879G>A variant is predicted to result in the amino acid substitution p.Gly960Asp. This variant has been reported in the compound heterozygous state a fetus affected with heterotaxy (described as p.G485D in the ARMC4 gene using alternate nomenclature in Yi et al. 2022. PubMed ID: 35518361). This variant is reported in 0.053% of alleles in individuals of European (Non-Finnish) descent in gnomAD. At this time, the clinical significance of this variant is uncertain due to the absence of conclusive functional and genetic evidence.

Ambry Genetics
Classification: Uncertain significance for Primary ciliary dyskinesia. Last evaluated: 2025-08-14. Review status: criteria provided, single submitter. Criteria: Ambry Variant Classification Scheme 2023. Collection method: clinical testing. Allele origin: germline.

Labcorp Genetics (formerly Invitae), Labcorp
Classification: Uncertain significance for Primary ciliary dyskinesia 23. Last evaluated: 2021-12-19. Review status: criteria provided, single submitter. Criteria: Invitae Variant Classification Sherloc (09022015). Collection method: clinical testing. Allele origin: germline.
Comment: This sequence change replaces glycine, which is neutral and non-polar, with aspartic acid, which is acidic and polar, at codon 960 of the ARMC4 protein (p.Gly960Asp). This variant is present in population databases (rs139577934, gnomAD 0.05%). This variant has not been reported in the literature in individuals affected with ARMC4-related conditions. ClinVar contains an entry for this variant (Variation ID: 412244). Algorithms developed to predict the effect of missense changes on protein structure and function are either unavailable or do not agree on the potential impact of this missense change (SIFT: "Deleterious"; PolyPhen-2: "Probably Damaging"; Align-GVGD: "Class C0"). In summary, the available evidence is currently insufficient to determine the role of this variant in disease. Therefore, it has been classified as a Variant of Uncertain Significance.